The following is an entry in ClinVar:

ClinVar aggregate classification (germline): Uncertain significance (1 of 4 stars; one submission).

Conditions:
Multiple endocrine neoplasia, type 2 (MEN2). Identifiers: Orphanet 653, MedGen C4048306, MONDO:0019003. Disease mechanism: gain of function.

Submission:

All of Us Research Program, National Institutes of Health
Classification: Uncertain significance for Multiple endocrine neoplasia, type 2. Last evaluated: 2023-10-23. Review status: criteria provided, single submitter. Criteria: ACMG Guidelines, 2015. Collection method: clinical testing. Allele origin: germline. Inheritance: Autosomal dominant inheritance. Observed: 1 variant allele, 1 heterozygote.
Comment: This missense variant replaces arginine with glycine at codon 721 of the RET protein. Computational prediction suggests that this variant may have deleterious impact on protein structure and function (internally defined REVEL score threshold >= 0.7, PMID: 27666373). To our knowledge, functional studies have not been reported for this variant. This variant has not been reported in individuals affected with RET-related disorders in the literature. This variant has not been identified in the general population by the Genome Aggregation Database (gnomAD). The available evidence is insufficient to determine the role of this variant in disease conclusively. Therefore, this variant is classified as a Variant of Uncertain Significance.

This study involves interpretation of variants in research participants for the purpose of population health screening. Participant phenotype was not available at the time of variant classification. Additional details can be found in publication PMID: 35346344, PMCID: PMC8962531

NM_020975.6(RET):c.2161C>G (p.Arg721Gly)

Gene: RET (ret proto-oncogene; plus strand). Cytogenetic location: 10q11.21.
Variant type: single nucleotide variant.
Coding change: c.2161C>G on transcript NM_020975.6 (MANE Select); coding-DNA position 2161, C replaced by G.
Protein change: p.Arg721Gly; replaces arginine 721 with glycine.
Molecular consequence: missense variant.
Genome position (GRCh38, 1-based): chr10:43,116,608, C>G. VCF-style: chr10-43116608-C-G. GRCh37 (hg19) VCF-style: chr10-43612056-C-G.
Other names: c.2161C>G, p.Arg721Gly (NM_000323.2, NM_001406743.1, NM_001406744.1 and 4 more transcripts); c.1399C>G, p.Arg467Gly (NM_001355216.2); c.2032C>G, p.Arg678Gly (NM_001406761.1, NM_001406762.1, NM_001406764.1); c.2026C>G, p.Arg676Gly (NM_001406763.1, NM_001406765.1); c.1873C>G, p.Arg625Gly (NM_001406766.1, NM_001406767.1, NM_001406770.1); c.1897C>G, p.Arg633Gly (NM_001406768.1); c.1765C>G, p.Arg589Gly (NM_001406769.1, NM_001406772.1); c.1723C>G, p.Arg575Gly (NM_001406771.1, NM_001406773.1); and 10 more; short protein forms R238G, R286G, R326G, R377G, R379G, R382G, R391G, R422G.
Identifiers: ClinVar variation 3074030 (VCV003074030.1), dbSNP rs1554819146, ClinGen allele CA376554246.